The following is an entry in ClinVar:

NM_001080517.3(SETD5):c.891dup (p.Ile298fs)

Gene: SETD5 (SET domain containing 5; plus strand). Cytogenetic location: 3p25.3.
Variant type: Duplication.
Coding change: c.891dup on transcript NM_001080517.3 (MANE Select); coding-DNA position 891, one base duplicated (T; older notation c.891dupT).
Protein change: p.Ile298fs; shifts the reading frame from isoleucine 298.
Molecular consequence: frameshift variant.
Genome position (GRCh38, 1-based): chr3:9,441,673, T duplicated; the last of 2 consecutive T bases (chr3:9,441,672-9,441,673); duplicating either gives the same sequence. VCF-style (leftmost placement, unchanged base first): chr3-9441671-C-CT. GRCh37 (hg19) VCF-style: chr3-9483355-C-CT.
Other names: c.597dup, p.Ile200fs (NM_001292043.2, NM_001349451.2); short protein forms I200fs, I298fs.
Identifiers: ClinVar variation 2584484 (VCV002584484.1), dbSNP rs2472703906, ClinGen allele CA2582342835.

ClinVar aggregate classification (germline): Pathogenic (1 of 4 stars; one submission).

Conditions:
SETD5-related disorder. Also called: SETD5-related disorders; SETD5-related condition.

Submission:

Rady Children's Institute for Genomic Medicine, Rady Children's Hospital San Diego
Classification: Pathogenic for SETD5-related disorders. Review status: criteria provided, single submitter. Criteria: ACMG Guidelines, 2015. Collection method: clinical testing. Allele origin: germline. Affected: yes.
Comment: This frameshifting variant in exon 9 of 23 introduces a premature stop codon and is therefore predicted to result in loss of normal protein function through either protein truncation or nonsense-mediated mRNA decay (NMD). This variant has not been previously reported or functionally characterized in the literature to our knowledge. Loss-of-function variation in SETD5 is an established mechanism of disease (PMID: 25138099, 27375234, 24680889). The c.891dup (p.Ile298TyrfsTer15) variant is absent from the gnomAD population database and thus is presumed to be rare. Analysis of the parental samples was negative for the variant, indicating this variant likely occurred as a de novo event. Based on the available evidence, the c.891dup (p.Ile298TyrfsTer15) variant is classified as Pathogenic.